The following is an entry in ClinVar:

NM_004385.5(VCAN):c.8719C>A (p.Pro2907Thr)

Genes: VCAN (versican; plus strand), VCAN-AS1 (VCAN antisense RNA 1; minus strand). Cytogenetic location: 5q14.3.
Variant type: single nucleotide variant.
Coding change: c.8719C>A on transcript NM_004385.5 (MANE Select); coding-DNA position 8719, C replaced by A.
Protein change: p.Pro2907Thr; replaces proline 2907 with threonine.
Molecular consequence: missense variant. On other transcripts: intron variant (2).
Genome position (GRCh38, 1-based): chr5:83,541,722, C>A. VCF-style: chr5-83541722-C-A. GRCh37 (hg19) VCF-style: chr5-82837541-C-A.
Other names: c.5758C>A, p.Pro1920Thr (NM_001164097.2); c.4004-3815C>A (NM_001164098.2); c.1043-3815C>A (NM_001126336.3); short protein forms P1920T, P2907T.
Identifiers: ClinVar variation 1718259 (VCV001718259.5), dbSNP rs145038689, ClinGen allele CA360294024.

ClinVar aggregate classification (germline): Uncertain significance (1 of 4 stars; one submission).

Allele frequency attached by ClinVar (database versions not stated): gnomAD exomes below 0.00001.
gnomAD v4.1: 2 of 1,613,958 alleles (0.00012%); highest among the groups gnomAD compares: Non-Finnish European, 0.00017%; no homozygotes.

Submission:

Labcorp Genetics (formerly Invitae), Labcorp
Classification: Uncertain significance. Last evaluated: 2022-08-28. Review status: criteria provided, single submitter. Criteria: Invitae Variant Classification Sherloc (09022015). Collection method: clinical testing. Allele origin: germline.
Comment: This variant has not been reported in the literature in individuals affected with VCAN-related conditions. This variant is not present in population databases (gnomAD no frequency). This sequence change replaces proline, which is neutral and non-polar, with threonine, which is neutral and polar, at codon 2907 of the VCAN protein (p.Pro2907Thr). In summary, the available evidence is currently insufficient to determine the role of this variant in disease. Therefore, it has been classified as a Variant of Uncertain Significance. Algorithms developed to predict the effect of missense changes on protein structure and function (SIFT, PolyPhen-2, Align-GVGD) all suggest that this variant is likely to be tolerated.